The following is an entry in ClinVar:

ClinVar aggregate classification (germline): Uncertain significance (1 of 4 stars; one submission).

Conditions:
Treacher Collins syndrome 1 (TCS1). Also called: TCOF1-Related Treacher Collins Syndrome. Identifiers: Orphanet 861, MedGen CN315775, MONDO:0007944, OMIM 154500.

Submission:

Labcorp Genetics (formerly Invitae), Labcorp
Classification: Uncertain significance for Treacher Collins syndrome 1. Last evaluated: 2024-11-27. Review status: criteria provided, single submitter. Criteria: Invitae Variant Classification Sherloc (09022015). Collection method: clinical testing. Allele origin: germline.
Comment: This variant, c.2601_2621del, results in the deletion of 7 amino acid(s) of the TCOF1 protein (p.Asp867_Glu873del), but otherwise preserves the integrity of the reading frame. This variant is present in population databases (no rsID available, gnomAD 0.006%). This variant has not been reported in the literature in individuals affected with TCOF1-related conditions. Experimental studies and prediction algorithms are not available or were not evaluated, and the functional significance of this variant is currently unknown. In summary, the available evidence is currently insufficient to determine the role of this variant in disease. Therefore, it has been classified as a Variant of Uncertain Significance.

NM_001371623.1(TCOF1):c.2601_2621del (p.Asp867_Glu873del)

Gene: TCOF1 (treacle ribosome biogenesis factor 1; plus strand). Cytogenetic location: 5q32.
Variant type: Deletion.
Coding change: c.2601_2621del on transcript NM_001371623.1 (MANE Select); coding-DNA positions 2601 to 2621, 21 bases deleted (CTCAGGGAGCAGTGAGGAGGA).
Protein change: p.Asp867_Glu873del.
Genome position (GRCh38, 1-based): chr5:150,379,351-150,379,371, CTCAGGGAGCAGTGAGGAGGA deleted; deleting any 21 consecutive bases within chr5:150,379,343-150,379,371 gives the same sequence; the c. name uses the placement nearest the transcript's 3' end. VCF-style (leftmost placement, unchanged base first): chr5-150379342-AGAGGAGGACTCAGGGAGCAGT-A. GRCh37 (hg19) VCF-style: chr5-149758905-AGAGGAGGACTCAGGGAGCAGT-A.
Other names: c.2370_2390del, p.Asp790_Glu796del (NM_000356.4, NM_001135245.2); c.2601_2621del, p.Asp867_Glu873del (NM_001008657.3, NM_001135243.2, NM_001135244.2 and 1 more transcripts).
Identifiers: ClinVar variation 3668650 (VCV003668650.2).